The following is an entry in ClinVar:

NM_001250.6(CD40):c.89A>G (p.Gln30Arg)

Gene: CD40 (CD40 molecule; plus strand). Cytogenetic location: 20q13.12.
Variant type: single nucleotide variant.
Coding change: c.89A>G on transcript NM_001250.6 (MANE Select); coding-DNA position 89, A replaced by G.
Protein change: p.Gln30Arg; replaces glutamine 30 with arginine.
Molecular consequence: missense variant. On other transcripts: non-coding transcript variant (2).
Genome position (GRCh38, 1-based): chr20:46,121,857, A>G. VCF-style: chr20-46121857-A-G. GRCh37 (hg19) VCF-style: chr20-44750496-A-G.
Other names: c.89A>G, p.Gln30Arg (NM_001302753.2, NM_001322421.2, NM_001322422.2 and 2 more transcripts); short protein forms Q30R.
Identifiers: ClinVar variation 1445470 (VCV001445470.6), dbSNP rs2145590363, ClinGen allele CA409202933.

ClinVar aggregate classification (germline): Uncertain significance (1 of 4 stars; one submission).

Submission:

Labcorp Genetics (formerly Invitae), Labcorp
Classification: Uncertain significance. Last evaluated: 2021-10-08. Review status: criteria provided, single submitter. Criteria: Invitae Variant Classification Sherloc (09022015). Collection method: clinical testing. Allele origin: germline.
Comment: In summary, the available evidence is currently insufficient to determine the role of this variant in disease. Therefore, it has been classified as a Variant of Uncertain Significance. Algorithms developed to predict the effect of missense changes on protein structure and function are either unavailable or do not agree on the potential impact of this missense change (SIFT: "Tolerated"; PolyPhen-2: "Probably Damaging"; Align-GVGD: "Class C0"). This variant has not been reported in the literature in individuals affected with CD40-related conditions. This variant is not present in population databases (ExAC no frequency). This sequence change replaces glutamine with arginine at codon 30 of the CD40 protein (p.Gln30Arg). The glutamine residue is highly conserved and there is a small physicochemical difference between glutamine and arginine.